The following is an entry in ClinVar:

ClinVar aggregate classification (germline): Uncertain significance (1 of 4 stars; one submission).

Submission:

GeneDx
Classification: Uncertain significance. Last evaluated: 2019-06-06. Review status: criteria provided, single submitter. Criteria: GeneDx Variant Classification Process June 2021. Collection method: clinical testing. Allele origin: germline. Affected: yes.
Comment: Not observed in large population cohorts (Lek et al., 2016); In silico analysis, which includes protein predictors and evolutionary conservation, supports that this variant does not alter protein structure/function; Has not been previously published as pathogenic or benign to our knowledge

NM_001379451.1(BCORL1):c.508G>A (p.Glu170Lys)

Gene: BCORL1 (BCL6 corepressor like 1; plus strand). Cytogenetic location: Xq26.1.
Variant type: single nucleotide variant.
Coding change: c.508G>A on transcript NM_001379451.1 (MANE Select); coding-DNA position 508, G replaced by A.
Protein change: p.Glu170Lys; replaces glutamic acid 170 with lysine.
Molecular consequence: missense variant.
Genome position (GRCh38, 1-based): chrX:130,013,280, G>A. VCF-style: chrX-130013280-G-A. GRCh37 (hg19) VCF-style: chrX-129147256-G-A.
Other names: c.508G>A, p.Glu170Lys (NM_001184772.3, NM_001379450.1, NM_021946.5); short protein forms E170K.
Identifiers: ClinVar variation 1306257 (VCV001306257.2), dbSNP rs2124439839, ClinGen allele CA414570835.